The following is an entry in ClinVar:

NM_201384.3(PLEC):c.711C>T (p.Asp237=)

Gene: PLEC (plectin; minus strand). Cytogenetic location: 8q24.3.
Variant type: single nucleotide variant.
Coding change: c.711C>T on transcript NM_201384.3 (MANE Select); coding-DNA position 711, C replaced by T.
Protein change: p.Asp237=; no amino-acid change (aspartic acid 237 retained).
Molecular consequence: synonymous variant.
Genome position (GRCh38, 1-based): chr8:143,935,205, G>A on the plus strand (C>T on the coding strand, the complement: PLEC is on the minus strand). VCF-style: chr8-143935205-G-A. GRCh37 (hg19) VCF-style: chr8-145009373-G-A.
Other names: c.792C>T, p.Asp264= (NM_000445.5); c.669C>T, p.Asp223= (NM_201378.4); c.645C>T, p.Asp215= (NM_201379.3); c.1122C>T, p.Asp374= (NM_201380.4); c.615C>T, p.Asp205= (NM_201381.3); c.711C>T, p.Asp237= (NM_201382.4); c.723C>T, p.Asp241= (NM_201383.3).
Identifiers: ClinVar variation 385708 (VCV000385708.2), dbSNP rs782815676, ClinGen allele CA4928345.
Genomic context (GRCh38, chr8:143,935,205, plus strand): 5'-CTCTGGGGCAGGCAGCAGGGGAAGGGACAGGGAGGAAGGCCACGCAGACGTACCCTCAGG[G>A]TCCAGGAGCCGCGTCACTCCCAGGTCCCGCTCCGCCACAGAGAAGGCCTGGTCCAGGTTC-3'
Protein context (NP_958786.1, residues 227-247): ERDLGVTRLL[Asp237=]PEDVDVPQPD

ClinVar aggregate classification (germline): Likely benign. Review status: criteria provided, multiple submitters, no conflicts (2 of 4 stars). 2 submissions from 2 submitters: Likely benign (2). Last evaluated 2025-09-13.

Conditions:
Epidermolysis bullosa simplex with nail dystrophy (EBS5D). Identifiers: MedGen C4225309, MONDO:0014661, OMIM 616487.
Epidermolysis bullosa simplex 5B, with muscular dystrophy (EBS5B). Also called: EPIDERMOLYSIS BULLOSA SIMPLEX AND LIMB-GIRDLE MUSCULAR DYSTROPHY; Epidermolysis bullosa simplex with muscular dystrophy. Identifiers: Orphanet 257, MedGen C2931072, MONDO:0009181, OMIM 226670.
Epidermolysis bullosa simplex, Ogna type (EBS5A). Also called: Pidermolysis bullosa simplex 5A, Ogna type; EPIDERMOLYSIS BULLOSA SIMPLEX 5A, OGNA TYPE. Identifiers: Orphanet 79401, MedGen C0432317, MONDO:0007555, OMIM 131950.
Autosomal recessive limb-girdle muscular dystrophy type 2Q (LGMDR17). Also called: MUSCULAR DYSTROPHY, LIMB-GIRDLE, AUTOSOMAL RECESSIVE 17. Identifiers: Orphanet 254361, MedGen C3150989, MONDO:0013390, OMIM 613723.
Epidermolysis bullosa simplex 5C, with pyloric atresia (EBS5C). Also called: PLEC-Related Epidermolysis Bullosa with Pyloric Atresia; Epidermolysis bullosa simplex with pyloric atresia; PLEC1-Related Epidermolysis Bullosa with Pyloric Atresia. Identifiers: Orphanet 158684, MedGen C2677349, MONDO:0012807, OMIM 612138.

Allele frequency attached by ClinVar (database versions not stated): gnomAD exomes below 0.00001; TOPMed below 0.00001; ExAC 0.00001.
gnomAD v4.1: 2 of 1,612,552 alleles (0.00012%); highest among the groups gnomAD compares: East Asian, 0.0022%; no homozygotes.

Submissions (2):

Labcorp Genetics (formerly Invitae), Labcorp
Classification: Likely benign for Autosomal recessive limb-girdle muscular dystrophy type 2Q; Epidermolysis bullosa simplex, Ogna type; Epidermolysis bullosa simplex with nail dystrophy; Epidermolysis bullosa simplex 5C, with pyloric atresia; Epidermolysis bullosa simplex 5B, with muscular dystrophy. Last evaluated: 2025-09-13. Review status: criteria provided, single submitter. Criteria: Invitae Variant Classification Sherloc (09022015). Collection method: clinical testing. Allele origin: germline.

GeneDx
Classification: Likely benign. Last evaluated: 2016-05-18. Review status: criteria provided, single submitter. Criteria: GeneDx Variant Classification (06012015). Collection method: clinical testing. Allele origin: germline. Affected: yes.
Comment: This variant is considered likely benign or benign based on one or more of the following criteria: it is a conservative change, it occurs at a poorly conserved position in the protein, it is predicted to be benign by multiple in silico algorithms, and/or has population frequency not consistent with disease.